The following is an entry in ClinVar:

NM_001843.4(CNTN1):c.1116T>G (p.His372Gln)

Gene: CNTN1 (contactin 1; plus strand). Cytogenetic location: 12q12.
Variant type: single nucleotide variant.
Coding change: c.1116T>G on transcript NM_001843.4 (MANE Select); coding-DNA position 1116, T replaced by G.
Protein change: p.His372Gln; replaces histidine 372 with glutamine.
Molecular consequence: missense variant.
Genome position (GRCh38, 1-based): chr12:40,937,575, T>G. VCF-style: chr12-40937575-T-G. GRCh37 (hg19) VCF-style: chr12-41331377-T-G.
Other names: c.1116T>G, p.His372Gln (NM_001256063.2, NM_001256064.2); c.1083T>G, p.His361Gln (NM_175038.2); short protein forms H361Q, H372Q.
Identifiers: ClinVar variation 2198595 (VCV002198595.4), dbSNP rs775391705, ClinGen allele CA384423874.

ClinVar aggregate classification (germline): Uncertain significance (1 of 4 stars; one submission).

Conditions:
Compton-North congenital myopathy (CMYO12). Identifiers: Orphanet 210163, MedGen C2675527, MONDO:0012929, OMIM 612540.

gnomAD v4.1: 8 of 1,580,640 alleles (0.00051%); highest among the groups gnomAD compares: Non-Finnish European, 0.0007%; no homozygotes.

Submission:

Labcorp Genetics (formerly Invitae), Labcorp
Classification: Uncertain significance for Compton-North congenital myopathy. Last evaluated: 2022-07-30. Review status: criteria provided, single submitter. Criteria: Invitae Variant Classification Sherloc (09022015). Collection method: clinical testing. Allele origin: germline.
Comment: This sequence change replaces histidine, which is basic and polar, with glutamine, which is neutral and polar, at codon 372 of the CNTN1 protein (p.His372Gln). This variant is present in population databases (no rsID available, gnomAD 0.007%). This variant has not been reported in the literature in individuals affected with CNTN1-related conditions. Advanced modeling of protein sequence and biophysical properties (such as structural, functional, and spatial information, amino acid conservation, physicochemical variation, residue mobility, and thermodynamic stability) performed at Invitae indicates that this missense variant is not expected to disrupt CNTN1 protein function. In summary, the available evidence is currently insufficient to determine the role of this variant in disease. Therefore, it has been classified as a Variant of Uncertain Significance.